The following is an entry in ClinVar:

NM_138694.4(PKHD1):c.7912-5T>C

Gene: PKHD1 (PKHD1 ciliary IPT domain containing fibrocystin/polyductin; minus strand). Cytogenetic location: 6p12.2.
Variant type: single nucleotide variant.
Coding change: c.7912-5T>C on transcript NM_138694.4 (MANE Select); 5 bases into the intron before coding-DNA position 7912, T replaced by C.
Molecular consequence: intron variant.
Genome position (GRCh38, 1-based): chr6:51,847,975, A>G on the plus strand (T>C on the coding strand, the complement: PKHD1 is on the minus strand). VCF-style: chr6-51847975-A-G. GRCh37 (hg19) VCF-style: chr6-51712773-A-G.
Other names: c.7912-5T>C (NM_170724.3, NM_138694.3).
Identifiers: ClinVar variation 2192435 (VCV002192435.5), dbSNP rs371510537, ClinGen allele CA138910914.

ClinVar aggregate classification (germline): Likely benign. Review status: criteria provided, single submitter (1 of 4 stars). 2 submissions from 2 submitters: Likely benign (1). 1 of the submissions does not count toward it. Last evaluated 2022-03-05.

Conditions:
PKHD1-related disorder. Also called: PKHD1-related condition.
Autosomal recessive polycystic kidney disease (ARPKD). Also called: AR polycystic kidney disease. Identifiers: Orphanet 731, Orphanet 8378, MedGen C0085548, MeSH D017044, MONDO:0009889.

gnomAD v4.1: 1 of 1,606,666 alleles (0.000062%); highest among the groups gnomAD compares: Admixed American, 0.0017%; no homozygotes.

Submissions (2):

Labcorp Genetics (formerly Invitae), Labcorp
Classification: Likely benign for Autosomal recessive polycystic kidney disease. Last evaluated: 2022-03-05. Review status: criteria provided, single submitter. Criteria: Invitae Variant Classification Sherloc (09022015). Collection method: clinical testing. Allele origin: germline.

PreventionGenetics, part of Exact Sciences
Classification: Likely benign for PKHD1-related condition. Last evaluated: 2024-06-28. Review status: no assertion criteria provided. Collection method: clinical testing. Allele origin: germline. Not counted in ClinVar's aggregate classification.
Comment: This variant is classified as likely benign based on ACMG/AMP sequence variant interpretation guidelines (Richards et al. 2015 PMID: 25741868, with internal and published modifications).